The following is an entry in ClinVar:

ClinVar aggregate classification (germline): Uncertain significance. Review status: criteria provided, multiple submitters, no conflicts (2 of 4 stars). 2 submissions from 2 submitters: Uncertain significance (2). Last evaluated 2025-07-29.

Conditions:
PTPN11-related disorder. Also called: PTPN11-Related Disorders.
Cardiovascular phenotype. Identifiers: MedGen CN230736.

Submissions (2):

Ambry Genetics
Classification: Uncertain significance for Cardiovascular phenotype. Last evaluated: 2025-07-29. Review status: criteria provided, single submitter. Criteria: Ambry Variant Classification Scheme 2023. Collection method: clinical testing. Allele origin: germline.
Comment: The p.V471L variant (also known as c.1411G>T), located in coding exon 12 of the PTPN11 gene, results from a G to T substitution at nucleotide position 1411. The valine at codon 471 is replaced by leucine, an amino acid with highly similar properties. This amino acid position is conserved. In addition, this alteration is predicted to be deleterious by in silico analysis. Based on the available evidence, the clinical significance of this variant remains unclear.

PreventionGenetics, part of Exact Sciences
Classification: Uncertain significance for PTPN11-related condition. Last evaluated: 2022-10-20. Review status: criteria provided, single submitter. Criteria: ACMG Guidelines, 2015. Collection method: clinical testing. Allele origin: germline.
Comment: The PTPN11 c.1411G>T variant is predicted to result in the amino acid substitution p.Val471Leu. To our knowledge, this variant has not been reported in the literature or in a large population database, indicating this variant is rare. At this time, the clinical significance of this variant is uncertain due to the absence of conclusive functional and genetic evidence.

NM_002834.5(PTPN11):c.1411G>T (p.Val471Leu)

Gene: PTPN11 (protein tyrosine phosphatase non-receptor type 11; plus strand). Cytogenetic location: 12q24.13.
Variant type: single nucleotide variant.
Coding change: c.1411G>T on transcript NM_002834.5 (MANE Select); coding-DNA position 1411, G replaced by T.
Protein change: p.Val471Leu; replaces valine 471 with leucine.
Molecular consequence: missense variant.
Genome position (GRCh38, 1-based): chr12:112,488,474, G>T. VCF-style: chr12-112488474-G-T. GRCh37 (hg19) VCF-style: chr12-112926278-G-T.
Other names: c.1423G>T, p.Val475Leu (NM_001330437.2); c.1408G>T, p.Val470Leu (NM_001374625.1); short protein forms V470L, V471L, V475L.
Identifiers: ClinVar variation 2637137 (VCV002637137.2), dbSNP rs2135915081, ClinGen allele CA386778318.